The following is an entry in ClinVar:

NM_005488.3(TOM1):c.1149-8del

Gene: TOM1 (target of myb1 membrane trafficking protein; plus strand). Cytogenetic location: 22q12.3.
Variant type: Deletion.
Coding change: c.1149-8del on transcript NM_005488.3 (MANE Select); 8 bases into the intron before coding-DNA position 1149, one base deleted (T; older notation c.1149-8delT).
Molecular consequence: intron variant.
Genome position (GRCh38, 1-based): chr22:35,338,705, T deleted. VCF-style (leftmost placement, unchanged base first): chr22-35338704-CT-C. GRCh37 (hg19) VCF-style: chr22-35734697-CT-C.
Other names: c.1050-8del (NM_001135729.2); c.1149-8del (NM_001135732.2); c.1014-8del (NM_001135730.2).
Identifiers: ClinVar variation 5006483 (VCV005006483.2).

ClinVar aggregate classification (germline): Uncertain significance (1 of 4 stars; one submission).

Conditions:
Immunodeficiency 85 and autoimmunity. Identifiers: MedGen C5561976, MONDO:0030428, OMIM 619510.

Submission:

Juno Genomics, Hangzhou Juno Genomics, Inc
Classification: Uncertain significance for Immunodeficiency 85 and autoimmunity. Review status: criteria provided, single submitter. Criteria: ACMG Guidelines, 2015. Collection method: clinical testing. Allele origin: germline.
Comment: Absent from controls (or at extremely low frequency if recessive) in Genome Aggregation Database.;Multiple lines of computational evidence support a deleterious effect on the gene or gene product.